The following is an entry in ClinVar:

ClinVar aggregate classification (germline): Pathogenic (1 of 4 stars; one submission).

Conditions:
Kabuki syndrome 1 (KABUK1). Also called: KMT2D-Related Kabuki Syndrome. Identifiers: Orphanet 2322, MedGen CN030661, MONDO:0007843, OMIM 147920.

Submission:

Rady Children's Institute for Genomic Medicine, Rady Children's Hospital San Diego
Classification: Pathogenic for KABUKI SYNDROME 1. Review status: criteria provided, single submitter. Criteria: ACMG Guidelines, 2015. Collection method: clinical testing. Allele origin: germline. Affected: yes.
Comment: This frameshifting variant in exon 10 of 54 is predicted to lead to loss of normal protein function through either protein truncation or nonsense-mediated mRNA decay. This variant has not been previously reported or functionally characterized in the literature to our knowledge. It is absent from the gnomAD population database and thus presumed to be rare. Analysis of the parental samples was negative for the variant, indicating this variant likely occurred as a de novo event. Based on the available evidence, the c.1336del (p.Glu446SerfsTer484) variant is classified as Pathogenic.

NM_003482.4(KMT2D):c.1336del (p.Glu446fs)

Gene: KMT2D (lysine methyltransferase 2D; minus strand). Cytogenetic location: 12q13.12.
Variant type: Deletion.
Coding change: c.1336del on transcript NM_003482.4 (MANE Select); coding-DNA position 1336, one base deleted (G; older notation c.1336delG).
Protein change: p.Glu446fs; shifts the reading frame from glutamic acid 446.
Molecular consequence: frameshift variant.
Genome position (GRCh38, 1-based): chr12:49,052,347, C deleted on the plus strand (G on the coding strand, the reverse complement: KMT2D is on the minus strand); the first of 2 consecutive C bases (chr12:49,052,347-49,052,348); deleting either gives the same sequence. VCF-style (leftmost placement, unchanged base first): chr12-49052346-TC-T. GRCh37 (hg19) VCF-style: chr12-49446129-TC-T.
Other names: c.1335delG, p.Glu446Serfs (NM_003482.3); short protein forms E446fs.
Identifiers: ClinVar variation 2584490 (VCV002584490.1), dbSNP rs2498460380, ClinGen allele CA2582342500.